The following is an entry in ClinVar:

ClinVar aggregate classification (germline): Likely benign. Review status: criteria provided, multiple submitters, no conflicts (2 of 4 stars). 2 submissions from 2 submitters: Likely benign (2). Last evaluated 2023-05-30.

Conditions:
Long QT syndrome (LQTS). Identifiers: MedGen C0023976, MeSH D008133, MONDO:0002442. Disease mechanism: loss of function. Inheritance: Various modes of inheritance.

Allele frequency attached by ClinVar (database versions not stated): gnomAD exomes below 0.00001 and 0.00001; ExAC 0.00001.

Submissions (2):

All of Us Research Program, National Institutes of Health
Classification: Likely benign for Long QT syndrome. Last evaluated: 2023-05-30. Review status: criteria provided, single submitter. Criteria: ACMG Guidelines, 2015. Collection method: clinical testing. Allele origin: germline. Inheritance: Autosomal dominant inheritance. Observed: 1 variant allele, 1 heterozygote.
Comment: This study involves interpretation of variants in research participants for the purpose of population health screening. Participant phenotype was not available at the time of variant classification. Additional details can be found in publication PMID: 35346344, PMCID: PMC8962531

Labcorp Genetics (formerly Invitae), Labcorp
Classification: Likely benign for Long QT syndrome. Last evaluated: 2022-05-12. Review status: criteria provided, single submitter. Criteria: Invitae Variant Classification Sherloc (09022015). Collection method: clinical testing. Allele origin: germline.

NM_000238.4(KCNH2):c.2478C>T (p.Thr826=)

Gene: KCNH2 (potassium voltage-gated channel subfamily H member 2; minus strand). Cytogenetic location: 7q36.1.
Variant type: single nucleotide variant.
Coding change: c.2478C>T on transcript NM_000238.4 (MANE Select); coding-DNA position 2478, C replaced by T.
Protein change: p.Thr826=; no amino-acid change (threonine 826 retained).
Molecular consequence: synonymous variant.
Genome position (GRCh38, 1-based): chr7:150,948,970, G>A on the plus strand (C>T on the coding strand, the complement: KCNH2 is on the minus strand). VCF-style: chr7-150948970-G-A. GRCh37 (hg19) VCF-style: chr7-150646058-G-A.
Other names: c.1458C>T, p.Thr486= (NM_172057.3).
Identifiers: ClinVar variation 748175 (VCV000748175.11), dbSNP rs757036802, ClinGen allele CA032883.
Genomic context (GRCh38, chr7:150,948,970, plus strand): 5'-AGGGTACATGTCCAGCACCTCCAGCAGGTCGTCCCGATGGATCTTGTGTAGGTCACAGTA[G>A]GTGAGGGCCCGCACATCCCCGTTCGACTTGCCAGGCCTTGCATACAGGTTCAGAGGCTCC-3'
Protein context (NP_000229.1, residues 816-836): GKSNGDVRAL[Thr826=]YCDLHKIHRD